The following is an entry in ClinVar:

NM_002292.4(LAMB2):c.5255T>A (p.Leu1752Gln)

Gene: LAMB2 (laminin subunit beta 2; minus strand). Cytogenetic location: 3p21.31.
Variant type: single nucleotide variant.
Coding change: c.5255T>A on transcript NM_002292.4 (MANE Select); coding-DNA position 5255, T replaced by A.
Protein change: p.Leu1752Gln; replaces leucine 1752 with glutamine.
Molecular consequence: missense variant.
Genome position (GRCh38, 1-based): chr3:49,121,438, A>T on the plus strand (T>A on the coding strand, the complement: LAMB2 is on the minus strand). VCF-style: chr3-49121438-A-T. GRCh37 (hg19) VCF-style: chr3-49158871-A-T.
Other names: short protein forms L1752Q.
Identifiers: ClinVar variation 653426 (VCV000653426.6), dbSNP rs1575524600, ClinGen allele CA352679413.

ClinVar aggregate classification (germline): Uncertain significance (1 of 4 stars; one submission).

Conditions:
LAMB2-related infantile-onset nephrotic syndrome. Also called: NEPHROTIC SYNDROME, TYPE 5, WITHOUT OCULAR ABNORMALITIES; NEPHROTIC SYNDROME, TYPE 5, WITH OCULAR ABNORMALITIES; Nephrotic Syndrome, type 5. Identifiers: Orphanet 306507, MedGen C3280113, MONDO:0013621, OMIM 614199.
Pierson syndrome. Also called: MICROCORIA-CONGENITAL NEPHROTIC SYNDROME. Identifiers: Orphanet 2670, MedGen C1836876, MONDO:0012184, OMIM 609049.

Submission:

Labcorp Genetics (formerly Invitae), Labcorp
Classification: Uncertain significance for LAMB2-related infantile-onset nephrotic syndrome; Pierson syndrome. Last evaluated: 2018-10-10. Review status: criteria provided, single submitter. Criteria: Invitae Variant Classification Sherloc (09022015). Collection method: clinical testing. Allele origin: germline.
Comment: This sequence change replaces leucine with glutamine at codon 1752 of the LAMB2 protein (p.Leu1752Gln). The leucine residue is highly conserved and there is a moderate physicochemical difference between leucine and glutamine. This variant is not present in population databases (ExAC no frequency). This variant has not been reported in the literature in individuals with LAMB2-related disease. Algorithms developed to predict the effect of missense changes on protein structure and function (SIFT, PolyPhen-2, Align-GVGD) all suggest that this variant is likely to be disruptive, but these predictions have not been confirmed by published functional studies and their clinical significance is uncertain. In summary, the available evidence is currently insufficient to determine the role of this variant in disease. Therefore, it has been classified as a Variant of Uncertain Significance.